The following is an entry in ClinVar:

NM_015570.4(AUTS2):c.1735-2A>C

Gene: AUTS2 (activator of transcription and developmental regulator AUTS2; plus strand). Cytogenetic location: 7q11.22.
Variant type: single nucleotide variant.
Coding change: c.1735-2A>C on transcript NM_015570.4 (MANE Select); the canonical splice acceptor site of the intron before coding-DNA position 1735, A replaced by C.
Molecular consequence: splice acceptor variant.
Genome position (GRCh38, 1-based): chr7:70,771,547, A>C. VCF-style: chr7-70771547-A-C. GRCh37 (hg19) VCF-style: chr7-70236533-A-C.
Other names: c.1735-2A>C (NM_001127231.3).
Identifiers: ClinVar variation 3906247 (VCV003906247.1).
Genomic context (GRCh38, chr7:70,771,547, plus strand): 5'-TTTGAATATGTCACTTGCCTCCTACTAAAATCTTTTTTCCCCCTCTCCGTCTTTGGCCAC[A>C]GCTCTTCCATTCCTATCCTCCTGCAGTGTCGGGCATCCCCCCTATGATCCCACCCACTGG-3'

ClinVar aggregate classification (germline): Pathogenic (1 of 4 stars; one submission).

Conditions:
Intellectual disability. Also called: Intellectual functioning disability; intellectual disabilities; Intellectual developmental disorder. Identifiers: MedGen C3714756, MeSH D008607, MONDO:0001071, HP:0001249.

Submission:

Clinical Genetics Laboratory, Skane University Hospital Lund
Classification: Pathogenic for Intellectual disability. Last evaluated: 2025-06-24. Review status: criteria provided, single submitter. Criteria: ACMG Guidelines, 2015. Collection method: clinical testing. Allele origin: de novo. Affected: yes.
Comment: ACMG criteria applied: PVS1, PS2_moderate (confirmed de novo, phenotype consistent with gene but not highly specific), PM2